The following is an entry in ClinVar:

ClinVar aggregate classification (germline): Uncertain significance (1 of 4 stars; one submission).

Conditions:
ARL6-related disorder. Also called: ARL6-related condition.

Submission:

PreventionGenetics, part of Exact Sciences
Classification: Uncertain significance for ARL6-related condition. Last evaluated: 2024-12-18. Review status: criteria provided, single submitter. Criteria: ACMG Guidelines, 2015. Collection method: clinical testing. Allele origin: germline.
Comment: The ARL6 c.536A>C variant is predicted to result in the amino acid substitution p.Glu179Ala. To our knowledge, this variant has not been reported in the literature or in a large population database (gnomAD), indicating this variant is rare. At this time, the clinical significance of this variant is uncertain due to the absence of conclusive functional and genetic evidence.

NM_001278293.3(ARL6):c.535+127A>C

Gene: ARL6 (ARF like GTPase 6; plus strand). Cytogenetic location: 3q11.2.
Variant type: single nucleotide variant.
Coding change: c.535+127A>C on transcript NM_001278293.3 (MANE Select); 127 bases into the intron after coding-DNA position 535, A replaced by C.
Molecular consequence: intron variant. On other transcripts: missense variant (1), non-coding transcript variant (2).
Genome position (GRCh38, 1-based): chr3:97,791,953, A>C. VCF-style: chr3-97791953-A-C. GRCh37 (hg19) VCF-style: chr3-97510797-A-C.
Other names: c.536A>C, p.Glu179Ala (NM_001323513.2); c.535+127A>C (NM_032146.5, NM_177976.3); c.479+3834A>C (NM_001323514.2); short protein forms E179A.
Identifiers: ClinVar variation 4999840 (VCV004999840.1).
Genomic context (GRCh38, chr3:97,791,953, plus strand): 5'-TACATTTTATTTTATTATATCATTGCCTTTTTTCCTCTTTCCATTTATTTCTGCTATCAG[A>C]AAAAACAATACAGTAAGTATCCAATACCTTGTTCCATTTACTTCTATCACATATTGCTAA-3'